The following is an entry in ClinVar:

ClinVar aggregate classification (germline): Likely benign. Review status: criteria provided, single submitter (1 of 4 stars). 3 submissions from 3 submitters: Likely benign (1). 2 of the submissions do not count toward it. Last evaluated 2026-02-04.

Conditions:
AGPS-related disorder. Also called: AGPS-related condition.
Rhizomelic chondrodysplasia punctata (RCDP). Identifiers: Orphanet 177, MedGen C0282529, MONDO:0015776. Disease mechanism: loss of function.

Allele frequency attached by ClinVar (database versions not stated): gnomAD 0.00001 and 0.00005; TOPMed 0.00002; gnomAD exomes 0.00007 and 0.00015; ExAC 0.00019.
gnomAD v4.1: 110 of 1,612,536 alleles (0.0068%); highest among the groups gnomAD compares: South Asian, 0.1%; 1 homozygote.

Submissions (3):

Labcorp Genetics (formerly Invitae), Labcorp
Classification: Likely benign. Last evaluated: 2026-02-04. Review status: criteria provided, single submitter. Criteria: Invitae Variant Classification Sherloc (09022015). Collection method: clinical testing. Allele origin: germline.

Natera, Inc.
Classification: Uncertain significance for Rhizomelic chondrodysplasia punctata. Last evaluated: 2020-10-29. Review status: no assertion criteria provided. Collection method: clinical testing. Allele origin: germline. Not counted in ClinVar's aggregate classification.

PreventionGenetics, part of Exact Sciences
Classification: Likely benign for AGPS-related condition. Last evaluated: 2019-07-01. Review status: no assertion criteria provided. Collection method: clinical testing. Allele origin: germline. Not counted in ClinVar's aggregate classification.
Comment: This variant is classified as likely benign based on ACMG/AMP sequence variant interpretation guidelines (Richards et al. 2015 PMID: 25741868, with internal and published modifications).

NM_003659.4(AGPS):c.1437A>G (p.Gln479=)

Gene: AGPS (alkylglycerone phosphate synthase; plus strand). Cytogenetic location: 2q31.2.
Variant type: single nucleotide variant.
Coding change: c.1437A>G on transcript NM_003659.4 (MANE Select); coding-DNA position 1437, A replaced by G.
Protein change: p.Gln479=; no amino-acid change (glutamine 479 retained).
Molecular consequence: synonymous variant.
Genome position (GRCh38, 1-based): chr2:177,499,692, A>G. VCF-style: chr2-177499692-A-G. GRCh37 (hg19) VCF-style: chr2-178364420-A-G.
Other names: c.1437A>G (NM_003659.3).
Identifiers: ClinVar variation 991251 (VCV000991251.11), dbSNP rs753932510, ClinGen allele CA1980330.